The following is an entry in ClinVar:

NM_007294.4(BRCA1):c.895_896del (p.Val299fs)

Gene: BRCA1 (BRCA1 DNA repair associated; minus strand). Cytogenetic location: 17q21.31.
Variant type: Deletion.
Coding change: c.895_896del on transcript NM_007294.4 (MANE Select); coding-DNA positions 895 to 896, 2 bases deleted (GT; older notation c.895_896delGT).
Protein change: p.Val299fs; shifts the reading frame from valine 299.
Molecular consequence: frameshift variant. On other transcripts: intron variant (137).
Genome position (GRCh38, 1-based): chr17:43,094,635-43,094,636, AC deleted on the plus strand (GT on the coding strand, the reverse complement: BRCA1 is on the minus strand); deleting any 2 consecutive bases within chr17:43,094,635-43,094,637 gives the same sequence; the c. name uses the placement nearest the transcript's 3' end. VCF-style (leftmost placement, unchanged base first): chr17-43094634-TAC-T. GRCh37 (hg19) VCF-style: chr17-41246651-TAC-T.
Other names: 1014delGT; 1013delTG; c.895_896del, p.Val299fs (NM_001407603.1, NM_001407605.1, NM_001407616.1 and 30 more transcripts); c.892_893del, p.Val298fs (NM_001407610.1, NM_001407611.1, NM_001407612.1 and 22 more transcripts); c.886_887del, p.Val296fs (NM_001407646.1, NM_001407647.1); c.772_773del, p.Val258fs (NM_001407648.1, NM_001407664.1, NM_001407665.1 and 19 more transcripts); c.769_770del, p.Val257fs (NM_001407649.1, NM_001407670.1, NM_001407671.1 and 11 more transcripts); c.817_818del, p.Val273fs (NM_001407653.1, NM_001407654.1, NM_001407655.1 and 4 more transcripts); and 43 more; short protein forms V299fs, V252fs, V211fs, V257fs, V172fs, V210fs, V229fs, V258fs.
Identifiers: ClinVar variation 55744 (VCV000055744.34), dbSNP rs80357670, ClinGen allele CA003953.
Genomic context (GRCh38, chr17:43,094,634, plus strand): 5'-GTTATGTTGGCTCCTTGCTAAGCCAGGCTGTTTGCTTTTATTACAGAATTCAGCCTTTTC[TAC>T]ATTCATTCTGTCTTTAGTGAGTAATAAACTGCTGTTCTCATGCTGTAATGAGCTGGCATG-3'

ClinVar aggregate classification (germline): Pathogenic. Review status: reviewed by expert panel (3 of 4 stars). 13 submissions from 13 submitters: Pathogenic (1). 12 of the submissions do not count toward it. Last evaluated 2016-09-08.

Conditions:
Breast and/or ovarian cancer. Identifiers: MedGen CN221562.
Hereditary cancer-predisposing syndrome. Also called: Hereditary Cancer Syndrome; Hereditary neoplastic syndrome; Neoplastic Syndromes, Hereditary; Tumor predisposition. Identifiers: Orphanet 140162, MedGen C0027672, MeSH D009386, MONDO:0015356.
Hereditary breast ovarian cancer syndrome. Also called: BRCA1- and BRCA2-Associated Hereditary Breast and Ovarian Cancer; Hereditary breast and ovarian cancer syndrome; Hereditary breast and ovarian cancer syndrome (HBOC); Breast and ovarian cancer; Hereditary breast and/or ovarian cancer syndrome; Hereditary breast and ovarian cancer. Identifiers: Orphanet 145, MedGen C0677776, MeSH D061325, MONDO:0003582. Disease mechanism: loss of function.
Breast-ovarian cancer, familial, susceptibility to, 1 (BROVCA1). Also called: BRCA1 Hereditary Breast and Ovarian Cancer; OVARIAN CANCER, SUSCEPTIBILITY TO. Identifiers: Orphanet 145, MedGen C2676676, MONDO:0011450, OMIM 604370. Disease mechanism: loss of function.

Submissions (13):

Evidence-based Network for the Interpretation of Germline Mutant Alleles (ENIGMA)
Classification: Pathogenic for Breast-ovarian cancer, familial, susceptibility to, 1. Last evaluated: 2016-09-08. Review status: reviewed by expert panel. Criteria: ENIGMA BRCA1/2 Classification Criteria (2015). Collection method: curation. Allele origin: germline.
Comment: Variant allele predicted to encode a truncated non-functional protein.

Labcorp Genetics (formerly Invitae), Labcorp
Classification: Pathogenic for Hereditary breast ovarian cancer syndrome. Last evaluated: 2025-11-10. Review status: criteria provided, single submitter. Criteria: Invitae Variant Classification Sherloc (09022015). Collection method: clinical testing. Allele origin: germline. Not counted in ClinVar's aggregate classification.
Comment: This sequence change creates a premature translational stop signal (p.Val299Argfs*4) in the BRCA1 gene. It is expected to result in an absent or disrupted protein product. Loss-of-function variants in BRCA1 are known to be pathogenic (PMID: 20104584). This variant is present in population databases (rs80357670, gnomAD 0.003%). This premature translational stop signal has been observed in individual(s) with breast and/or ovarian cancer (PMID: 9145677, 26187060, 26681312). This variant is also known as c.1014delGT. ClinVar contains an entry for this variant (Variation ID: 55744). For these reasons, this variant has been classified as Pathogenic.

Ambry Genetics
Classification: Pathogenic for Hereditary cancer-predisposing syndrome. Last evaluated: 2025-08-04. Review status: criteria provided, single submitter. Criteria: Ambry Variant Classification Scheme 2023. Collection method: clinical testing. Allele origin: germline. Not counted in ClinVar's aggregate classification.
Comment: The c.895_896delGT pathogenic mutation, located in coding exon 9 of the BRCA1 gene, results from a deletion of two nucleotides at nucleotide positions 895 to 896, causing a translational frameshift with a predicted alternate stop codon (p.V299Rfs*4). This mutation has been identified in multiple individuals and families affected with breast and ovarian cancer (Couch FJ et al. N. Engl. J. Med., 1997 May;336:1409-15; Liede A et al. Am. J. Hum. Genet., 2002 Sep;71:595-606; Hansa J et al. Asian Pac. J. Cancer Prev., 2012;13:5871-4; Susswein LR et al. Genet Med. 2016 Aug;18(8):823-832.). Of note, this alteration is also is also designated as 1014delGT and 1013delTG in published literature. In addition to the clinical data presented in the literature, this alteration is expected to result in loss of function by premature protein truncation or nonsense-mediated mRNA decay. As such, this alteration is interpreted as a disease-causing mutation.

Color Diagnostics, LLC DBA Color Health
Classification: Pathogenic for Hereditary cancer-predisposing syndrome. Last evaluated: 2025-05-20. Review status: criteria provided, single submitter. Criteria: ACMG Guidelines, 2015. Collection method: clinical testing. Allele origin: germline. Not counted in ClinVar's aggregate classification.
Comment: This variant deletes 2 nucleotides in exon 10 of the BRCA1 gene, creating a frameshift and premature translation stop signal. This variant is expected to result in an absent or non-functional protein product. This variant has been reported as 1014delGT and 1013delTG in the literature and detected in at least six individuals affected with breast or ovarian cancer (PMID: 9145677, 12181777, 21324516, 22776961, 23317271, 26681312, 35710434, 36169650). This variant has been identified in 1/251288 chromosomes in the general population by the Genome Aggregation Database (gnomAD). Loss of BRCA1 function is a known mechanism of disease. Based on the available evidence, this variant is classified as Pathogenic.

Quest Diagnostics Nichols Institute San Juan Capistrano
Classification: Pathogenic. Last evaluated: 2024-06-07. Review status: criteria provided, single submitter. Criteria: Quest Diagnostics criteria. Collection method: clinical testing. Allele origin: unknown. Not counted in ClinVar's aggregate classification.
Comment: The BRCA1 c.895_896del (p.Val299Argfs*4) variant alters the translational reading frame of the BRCA1 mRNA and causes the premature termination of BRCA1 protein synthesis. This variant has been reported in the published literature in individuals and families with breast and/or ovarian cancer (PMIDs: 36451132 (2022), 36169650 (2022), 35710434 (2022), 29446198 (2018), 26681312 (2015), 11304778 (2001), and 9145677 (1997)). Based on the available information, this variant is classified as pathogenic.

CHEO Genetics Diagnostic Laboratory, Children's Hospital of Eastern Ontario
Classification: Pathogenic for Breast and/or ovarian cancer. Last evaluated: 2023-05-05. Review status: criteria provided, single submitter. Criteria: ACMG Guidelines, 2015. Collection method: clinical testing. Allele origin: germline. Not counted in ClinVar's aggregate classification.

GeneDx
Classification: Pathogenic. Last evaluated: 2023-05-04. Review status: criteria provided, single submitter. Criteria: GeneDx Variant Classification Process June 2021. Collection method: clinical testing. Allele origin: germline. Affected: yes. Not counted in ClinVar's aggregate classification.
Comment: Frameshift variant predicted to result in protein truncation or nonsense mediated decay in a gene for which loss of function is a known mechanism of disease; Observed in individuals with a personal or family history consistent with pathogenic variants in this gene (Couch et al., 1997; Martin et al., 2001; Soussi et al., 2019); Not observed at significant frequency in large population cohorts (gnomAD); Truncating variants in this gene are considered pathogenic by a well-established clinical consortium and/or database; Also known as 1014_1015delGT; This variant is associated with the following publications: (PMID: 11304778, 26681312, 9145677, 31528241, 29625052, 29922827, 26689913, 35710434, 32885271, 30720243)

Baylor Genetics
Classification: Pathogenic for Breast-ovarian cancer, familial, susceptibility to, 1. Last evaluated: 2023-01-20. Review status: criteria provided, single submitter. Criteria: ACMG Guidelines, 2015. Collection method: clinical testing. Allele origin: unknown. Not counted in ClinVar's aggregate classification.

Consortium of Investigators of Modifiers of BRCA1/2 (CIMBA), c/o University of Cambridge
Classification: Pathogenic for Breast-ovarian cancer, familial, susceptibility to, 1. Last evaluated: 2015-10-02. Review status: criteria provided, single submitter. Criteria: CIMBA Mutation Classification guidelines May 2016. Collection method: clinical testing. Allele origin: germline. Not counted in ClinVar's aggregate classification.

Research Molecular Genetics Laboratory, Women's College Hospital, University of Toronto
Classification: Pathogenic for Hereditary breast ovarian cancer syndrome. Last evaluated: 2014-01-31. Review status: no assertion criteria provided. Collection method: research. Allele origin: germline. Affected: yes. Study: The Canadian Open Genetics Repository (COGR). Not counted in ClinVar's aggregate classification.

Foulkes Cancer Genetics LDI, Lady Davis Institute for Medical Research
Classification: Pathogenic for Breast and/or ovarian cancer. Last evaluated: 2013-09-20. Review status: no assertion criteria provided. Collection method: clinical testing. Allele origin: germline. Study: The Canadian Open Genetics Repository (COGR). Not counted in ClinVar's aggregate classification.

Breast Cancer Information Core (BIC) (BRCA1)
Classification: Pathogenic for Breast-ovarian cancer, familial 1. Last evaluated: 2002-06-20. Review status: no assertion criteria provided. Collection method: clinical testing. Allele origin: germline. Affected: yes. Observed: 2 variant alleles. Not counted in ClinVar's aggregate classification.

Department of Pathology and Laboratory Medicine, Sinai Health System
Classification: Pathogenic for Breast-ovarian cancer, familial, susceptibility to, 1. Review status: no assertion criteria provided. Collection method: clinical testing. Allele origin: unknown. Affected: yes. Observed: 7 variant alleles. Study: The Canadian Open Genetics Repository (COGR). Not counted in ClinVar's aggregate classification.
Comment: The BRCA1 p.Val299ArgfsX4 deletion variant was identified in 9 of 3242 proband chromosomes (frequency: 0.003) from individuals with breast or ovarian cancer (Couch 1997, Fong 2010, Hansa 2012, Kote-Jarai 2006, Martin 2001, Risch 2006). The variant was also identified in dbSNP (ID: rs80357670), HGMD, and the BIC database (2X as clinically important variant). The p.Val299ArgfsX4 deletion variant is predicted to cause a frameshift, which alters the protein's amino acid sequence beginning at codon 299 and leads to a premature stop codon at position 303. This alteration is then predicted to result in a truncated or absent protein and loss of function. Loss of function variants of the BRCA1 gene are an established mechanism of disease in hereditary breast and ovarian cancer and is the type of variant expected to cause the disorder. In summary, based on the above information, this variant meets our laboratoryâ€šÃ„Ã´s criteria to be classified as pathogenic.

Literature cited by the submitters: PubMed 20104584 (cited by Labcorp Genetics (formerly Invitae), Labcorp); PubMed 9145677 (cited by 4 submitters); PubMed 26187060 (cited by Labcorp Genetics (formerly Invitae), Labcorp); PubMed 26681312 (cited by 3 submitters); PubMed 12181777 (cited by Ambry Genetics and Color Diagnostics, LLC DBA Color Health); PubMed 21559243 (cited by Ambry Genetics); PubMed 23317271 (cited by Ambry Genetics and Color Diagnostics, LLC DBA Color Health); PubMed 21324516 (cited by Color Diagnostics, LLC DBA Color Health); PubMed 22776961 (cited by Color Diagnostics, LLC DBA Color Health); PubMed 35710434 (cited by Color Diagnostics, LLC DBA Color Health and Quest Diagnostics Nichols Institute San Juan Capistrano); PubMed 36169650 (cited by Color Diagnostics, LLC DBA Color Health and Quest Diagnostics Nichols Institute San Juan Capistrano); PubMed 11304778 (cited by Quest Diagnostics Nichols Institute San Juan Capistrano); PubMed 29446198 (cited by Quest Diagnostics Nichols Institute San Juan Capistrano); PubMed 36451132 (cited by Quest Diagnostics Nichols Institute San Juan Capistrano).